The following is an entry in ClinVar:

ClinVar aggregate classification (germline): Pathogenic/Likely pathogenic. Review status: criteria provided, multiple submitters, no conflicts (2 of 4 stars). 2 submissions from 2 submitters: Pathogenic (1); Likely pathogenic (1). Last evaluated 2025-08-29.

Conditions:
Hypophosphatasia. Also called: Phosphoethanol-aminuria. Identifiers: Orphanet 436, MedGen C0020630, MeSH D007014, MONDO:0018570.

Submissions (2):

Genomenon, Inc
Classification: Likely pathogenic for Hypophosphatasia. Last evaluated: 2025-08-29. Review status: criteria provided, single submitter. Criteria: Genomenon Sequence Variant Interpretation Standards. Collection method: curation. Allele origin: germline. Affected: yes.
Comment: ALPL c.1016G>A is a missense variant that changes the amino acid at residue 339 from Glycine to Glutamic acid. This variant has been observed in at least one proband affected with hypophosphatasia (PMID:18925618). This variant has been described as Gly322Glu in the literature. It is absent or not present at a significant frequency in gnomAD. In silico models agree that this variant is possibly or probably damaging. The presence of pathogenic missense variant(s) at the same amino acid position indicates that this residue is likely important for protein function. In conclusion, we classify ALPL p.Gly339Glu (c.1016G>A) as a likely pathogenic variant.

Labcorp Genetics (formerly Invitae), Labcorp
Classification: Pathogenic. Last evaluated: 2023-10-29. Review status: criteria provided, single submitter. Criteria: Invitae Variant Classification Sherloc (09022015). Collection method: clinical testing. Allele origin: germline.
Comment: This sequence change replaces glycine, which is neutral and non-polar, with glutamic acid, which is acidic and polar, at codon 339 of the ALPL protein (p.Gly339Glu). This variant is not present in population databases (gnomAD no frequency). This missense change has been observed in individuals with Hypophosphatasia (PMID: 18925618, 32160374). This variant is also known as G322E. Advanced modeling of protein sequence and biophysical properties (such as structural, functional, and spatial information, amino acid conservation, physicochemical variation, residue mobility, and thermodynamic stability) performed at Invitae indicates that this missense variant is expected to disrupt ALPL protein function with a positive predictive value of 95%. This variant disrupts the p.Gly339 amino acid residue in ALPL. Other variant(s) that disrupt this residue have been determined to be pathogenic (PMID: 11855933, 19500388, 20739387, 24276437). This suggests that this residue is clinically significant, and that variants that disrupt this residue are likely to be disease-causing. For these reasons, this variant has been classified as Pathogenic.

Literature cited by the submitters: PubMed 18925618 (cited by Genomenon, Inc and Labcorp Genetics (formerly Invitae), Labcorp); PubMed 32160374 (cited by Labcorp Genetics (formerly Invitae), Labcorp); PubMed 11855933 (cited by Labcorp Genetics (formerly Invitae), Labcorp); PubMed 19500388 (cited by Labcorp Genetics (formerly Invitae), Labcorp); PubMed 20739387 (cited by Labcorp Genetics (formerly Invitae), Labcorp); PubMed 24276437 (cited by Labcorp Genetics (formerly Invitae), Labcorp).

NM_000478.6(ALPL):c.1016G>A (p.Gly339Glu)

Gene: ALPL (alkaline phosphatase, biomineralization associated; plus strand). Cytogenetic location: 1p36.12.
Variant type: single nucleotide variant.
Coding change: c.1016G>A on transcript NM_000478.6 (MANE Select); coding-DNA position 1016, G replaced by A.
Protein change: p.Gly339Glu; replaces glycine 339 with glutamic acid.
Molecular consequence: missense variant.
Genome position (GRCh38, 1-based): chr1:21,575,751, G>A. VCF-style: chr1-21575751-G-A. GRCh37 (hg19) VCF-style: chr1-21902244-G-A.
Other names: c.785G>A, p.Gly262Glu (NM_001177520.3); c.1016G>A, p.Gly339Glu (NM_001369803.2, NM_001369804.2, NM_001369805.2); c.851G>A, p.Gly284Glu (NM_001127501.4); short protein forms G262E, G339E, G284E.
Identifiers: ClinVar variation 2733845 (VCV002733845.4), dbSNP rs2545341993, ClinGen allele CA338880998.
Genomic context (GRCh38, chr1:21,575,751, plus strand): 5'-TCCCCTCCTCCCTCACCGAGGCCTTTGCCTTGGTGTCCCAAGGAGGCAGAATTGACCACG[G>A]GCACCATGAAGGAAAAGCCAAGCAGGCCCTGCATGAGGCGGTGGAGATGGACCGGGCCAT-3'
Protein context (NP_000469.3, residues 329-349): LLVEGGRIDH[Gly339Glu]HHEGKAKQAL